The following is an entry in ClinVar:

ClinVar aggregate classification (germline): Uncertain significance. Review status: criteria provided, multiple submitters, no conflicts (2 of 4 stars). 3 submissions from 3 submitters: Uncertain significance (3). Last evaluated 2025-03-02.

Conditions:
Hereditary breast ovarian cancer syndrome. Also called: Hereditary breast and/or ovarian cancer syndrome; Hereditary breast and ovarian cancer syndrome (HBOC); Breast and ovarian cancer; Hereditary breast and ovarian cancer; BRCA1- and BRCA2-Associated Hereditary Breast and Ovarian Cancer; Hereditary breast and ovarian cancer syndrome. Identifiers: Orphanet 145, MedGen C0677776, MeSH D061325, MONDO:0003582. Disease mechanism: loss of function.

Allele frequency attached by ClinVar (database versions not stated): TOPMed below 0.00001; gnomAD exomes 0.00001.
gnomAD v4.1: 12 of 1,612,118 alleles (0.00074%); highest among the groups gnomAD compares: East Asian, 0.025%; no homozygotes.

Submissions (3):

Ambry Genetics
Classification: Uncertain significance. Last evaluated: 2025-03-02. Review status: criteria provided, single submitter. Criteria: Ambry Variant Classification Scheme 2023. Collection method: clinical testing. Allele origin: germline.
Comment: The p.R249S variant (also known as c.747A>T), located in coding exon 8 of the FAM175A gene, results from an A to T substitution at nucleotide position 747. The arginine at codon 249 is replaced by serine, an amino acid with dissimilar properties. This amino acid position is conserved. In addition, this alteration is predicted to be tolerated by in silico analysis. Since supporting evidence is limited at this time, the clinical significance of this alteration remains unclear.

Labcorp Genetics (formerly Invitae), Labcorp
Classification: Uncertain significance. Last evaluated: 2022-09-29. Review status: criteria provided, single submitter. Criteria: Invitae Variant Classification Sherloc (09022015). Collection method: clinical testing. Allele origin: germline.
Comment: In summary, the available evidence is currently insufficient to determine the role of this variant in disease. Therefore, it has been classified as a Variant of Uncertain Significance. Advanced modeling of protein sequence and biophysical properties (such as structural, functional, and spatial information, amino acid conservation, physicochemical variation, residue mobility, and thermodynamic stability) performed at Invitae indicates that this missense variant is not expected to disrupt ABRAXAS1 protein function. ClinVar contains an entry for this variant (Variation ID: 830299). This variant has not been reported in the literature in individuals affected with ABRAXAS1-related conditions. This variant is not present in population databases (gnomAD no frequency). This sequence change replaces arginine, which is basic and polar, with serine, which is neutral and polar, at codon 249 of the ABRAXAS1 protein (p.Arg249Ser).

Cancer Genomics Group, Japanese Foundation For Cancer Research
Classification: Uncertain significance for Hereditary breast and ovarian cancer syndrome. Last evaluated: 2019-05-01. Review status: criteria provided, single submitter. Criteria: ACMG Guidelines, 2015. Collection method: research. Allele origin: germline. Affected: yes.

NM_139076.3(ABRAXAS1):c.747A>T (p.Arg249Ser)

Gene: ABRAXAS1 (abraxas 1, BRCA1 A complex subunit; minus strand). Cytogenetic location: 4q21.23.
Variant type: single nucleotide variant.
Coding change: c.747A>T on transcript NM_139076.3 (MANE Select); coding-DNA position 747, A replaced by T.
Protein change: p.Arg249Ser; replaces arginine 249 with serine.
Molecular consequence: missense variant.
Genome position (GRCh38, 1-based): chr4:83,463,543, T>A on the plus strand (A>T on the coding strand, the complement: ABRAXAS1 is on the minus strand). VCF-style: chr4-83463543-T-A. GRCh37 (hg19) VCF-style: chr4-84384696-T-A.
Other names: c.420A>T, p.Arg140Ser (NM_001345962.2); short protein forms R140S, R249S.
Identifiers: ClinVar variation 830299 (VCV000830299.14), dbSNP rs1722231029, ClinGen allele CA357256867.
Genomic context (GRCh38, chr4:83,463,543, plus strand): 5'-TGTTTACTTACTTGCTGCCTGAATCTGTGCTCCTCTCCTTTTCTCAATTTCTCGTTTTAA[T>A]CTGTTTACATCCTTTACTAGTTTATCTACTGCTTGTTCACTGTCTTCCACTTTTTTGCAT-3'
Protein context (NP_620775.2, residues 239-259): AVDKLVKDVN[Arg249Ser]LKREIEKRRG